The following is an entry in ClinVar:

ClinVar aggregate classification (germline): Uncertain significance. Review status: criteria provided, multiple submitters, no conflicts (2 of 4 stars). 2 submissions from 2 submitters: Uncertain significance (2). Last evaluated 2024-12-03.

Allele frequency attached by ClinVar (database versions not stated): gnomAD exomes below 0.00001.
gnomAD v4.1: 2 of 1,555,786 alleles (0.00013%); highest among the groups gnomAD compares: Non-Finnish European, 0.00017%; no homozygotes.

Submissions (2):

GeneDx
Classification: Uncertain significance. Last evaluated: 2024-12-03. Review status: criteria provided, single submitter. Criteria: GeneDx Variant Classification Process June 2021. Collection method: clinical testing. Allele origin: germline. Affected: yes.
Comment: Not observed at significant frequency in large population cohorts (gnomAD); In silico analysis indicates that this variant does not alter splicing; Has not been previously published as pathogenic or benign to our knowledge

Blueprint Genetics
Classification: Uncertain significance. Last evaluated: 2022-12-29. Review status: criteria provided, single submitter. Criteria: ACMG Guidelines, 2015. Collection method: clinical testing. Allele origin: germline.

NM_001009999.3(KDM1A):c.351G>A (p.Lys117=)

Gene: KDM1A (lysine demethylase 1A; plus strand). Cytogenetic location: 1p36.12.
Variant type: single nucleotide variant.
Coding change: c.351G>A on transcript NM_001009999.3 (MANE Select); coding-DNA position 351, G replaced by A.
Protein change: p.Lys117=; no amino-acid change (lysine 117 retained).
Molecular consequence: synonymous variant.
Genome position (GRCh38, 1-based): chr1:23,019,947, G>A. VCF-style: chr1-23019947-G-A. GRCh37 (hg19) VCF-style: chr1-23346440-G-A.
Other names: c.351G>A, p.Lys117= (NM_001363654.2, NM_015013.4).
Identifiers: ClinVar variation 1303532 (VCV001303532.4), dbSNP rs2124316663, ClinGen allele CA416685631.
Genomic context (GRCh38, chr1:23,019,947, plus strand): 5'-GGAAACTGGAATAGCAGAGACTCCGGAGGGGCGTCGGACCAGCCGGCGCAAGCGGGCGAA[G>A]GTAAGGCTCGACCCTTCCCTCAAACGACACCGCCTGGTGCCGAGCTTCCCCGAGGCTTCT-3'
Protein context (NP_001009999.1, residues 107-127): GRRTSRRKRA[Lys117=]VEYREMDESL